The following is an entry in ClinVar:

NM_002834.5(PTPN11):c.487G>T (p.Gly163Cys)

Gene: PTPN11 (protein tyrosine phosphatase non-receptor type 11; plus strand). Cytogenetic location: 12q24.13.
Variant type: single nucleotide variant.
Coding change: c.487G>T on transcript NM_002834.5 (MANE Select); coding-DNA position 487, G replaced by T.
Protein change: p.Gly163Cys; replaces glycine 163 with cysteine.
Molecular consequence: missense variant.
Genome position (GRCh38, 1-based): chr12:112,453,349, G>T. VCF-style: chr12-112453349-G-T. GRCh37 (hg19) VCF-style: chr12-112891153-G-T.
Other names: c.487G>T, p.Gly163Cys (NM_001330437.2, NM_080601.3); c.484G>T, p.Gly162Cys (NM_001374625.1); short protein forms G162C, G163C.
Identifiers: ClinVar variation 2423580 (VCV002423580.7), dbSNP rs730880992, ClinGen allele CA386781748.
Genomic context (GRCh38, chr12:112,453,349, plus strand): 5'-CACCCTGGAGATTTTGTTCTTTCTGTGCGCACTGGTGATGACAAAGGGGAGAGCAATGAC[G>T]GCAAGTCTAAAGTGACCCATGTTATGATTCGCTGTCAGGTAAATCTCCAGTTGAAAAATG-3'
Protein context (NP_002825.3, residues 153-173): TGDDKGESND[Gly163Cys]KSKVTHVMIR

ClinVar aggregate classification (germline): Uncertain significance. Review status: criteria provided, multiple submitters, no conflicts (2 of 4 stars). 2 submissions from 2 submitters: Uncertain significance (2). Last evaluated 2026-01-20.

Conditions:
Cardiovascular phenotype. Identifiers: MedGen CN230736.
RASopathy. Also called: rasopathies; Noonan spectrum disorder. Identifiers: Orphanet 536391, MedGen C5555857, MONDO:0021060.

gnomAD v4.1: 2 of 1,614,040 alleles (0.00012%); highest among the groups gnomAD compares: Admixed American, 0.0033%; no homozygotes.

Submissions (2):

Ambry Genetics
Classification: Uncertain significance for Cardiovascular phenotype. Last evaluated: 2026-01-20. Review status: criteria provided, single submitter. Criteria: Ambry Variant Classification Scheme 2023. Collection method: clinical testing. Allele origin: germline.
Comment: The p.G163C variant (also known as c.487G>T), located in coding exon 4 of the PTPN11 gene, results from a G to T substitution at nucleotide position 487. The glycine at codon 163 is replaced by cysteine, an amino acid with highly dissimilar properties. This amino acid position is conserved. In addition, the in silico prediction for this alteration is inconclusive. Based on the available evidence, the clinical significance of this variant remains unclear.

Labcorp Genetics (formerly Invitae), Labcorp
Classification: Uncertain significance for RASopathy. Last evaluated: 2024-06-04. Review status: criteria provided, single submitter. Criteria: Invitae Variant Classification Sherloc (09022015). Collection method: clinical testing. Allele origin: germline.
Comment: This sequence change replaces glycine, which is neutral and non-polar, with cysteine, which is neutral and slightly polar, at codon 163 of the PTPN11 protein (p.Gly163Cys). This variant is present in population databases (no rsID available, gnomAD 0.003%). This variant has not been reported in the literature in individuals affected with PTPN11-related conditions. ClinVar contains an entry for this variant (Variation ID: 2423580). Advanced modeling of protein sequence and biophysical properties (such as structural, functional, and spatial information, amino acid conservation, physicochemical variation, residue mobility, and thermodynamic stability) has been performed at Invitae for this missense variant, however the output from this modeling did not meet the statistical confidence thresholds required to predict the impact of this variant on PTPN11 protein function. In summary, the available evidence is currently insufficient to determine the role of this variant in disease. Therefore, it has been classified as a Variant of Uncertain Significance.